The following is an entry in ClinVar:

NM_001164508.2(NEB):c.22048G>T (p.Glu7350Ter)

Genes: NEB (nebulin; minus strand), RIF1 (replication timing regulatory factor 1; plus strand). Cytogenetic location: 2q23.3.
Variant type: single nucleotide variant.
Coding change: c.22048G>T on transcript NM_001164508.2 (MANE Select); coding-DNA position 22048, G replaced by T.
Protein change: p.Glu7350Ter; replaces glutamic acid 7350 with a stop codon.
Molecular consequence: nonsense.
Genome position (GRCh38, 1-based): chr2:151,526,160, C>A on the plus strand (G>T on the coding strand, the complement: NEB is on the minus strand). VCF-style: chr2-151526160-C-A. GRCh37 (hg19) VCF-style: chr2-152382674-C-A.
Other names: c.22048G>T, p.Glu7350Ter (NM_001164507.2); c.22153G>T, p.Glu7385Ter (NM_001271208.2); c.16945G>T, p.Glu5649Ter (NM_004543.5); short protein forms E5649*, E7350*, E7385*.
Identifiers: ClinVar variation 1726526 (VCV001726526.2), dbSNP rs2552117507, ClinGen allele CA348766544.

ClinVar aggregate classification (germline): Likely pathogenic (1 of 4 stars; one submission).

Conditions:
Nemaline myopathy 2 (NEM2). Also called: Nemaline myopathy 2, autosomal recessive. Identifiers: MedGen C1850569, MONDO:0009725, OMIM 256030.

Submission:

Myriad Genetics, Inc.
Classification: Likely pathogenic for Nemaline myopathy 2. Last evaluated: 2021-12-17. Review status: criteria provided, single submitter. Criteria: Myriad Women's Health Autosomal Recessive and X-Linked Classification Criteria (2021). Collection method: clinical testing. Allele origin: unknown.
Comment: NM_001271208.1(NEB):c.22153G>T(E7385*) is expected to be pathogenic in the context of NEB-related nemaline myopathy. This variant is predicted to lead to an abnormal or absent protein product due to the creation of a premature termination codon in NEB, a gene where loss-of-function variants are known to be pathogenic. Please note: this variant was assessed in the context of healthy population screening.